The following is an entry in ClinVar:

NM_001329943.3(KIAA0586):c.362A>T (p.Gln121Leu)

Gene: KIAA0586 (KIAA0586; plus strand). Cytogenetic location: 14q23.1.
Variant type: single nucleotide variant.
Coding change: c.362A>T on transcript NM_001329943.3 (MANE Select); coding-DNA position 362, A replaced by T.
Protein change: p.Gln121Leu; replaces glutamine 121 with leucine.
Molecular consequence: missense variant.
Genome position (GRCh38, 1-based): chr14:58,432,409, A>T. VCF-style: chr14-58432409-A-T. GRCh37 (hg19) VCF-style: chr14-58899127-A-T.
Other names: c.398A>T, p.Gln133Leu (NM_001244189.2); c.317A>T, p.Gln106Leu (NM_001244190.2); c.107A>T, p.Gln36Leu (NM_001244191.2, NM_001244192.2, NM_001329945.2 and 2 more transcripts); c.362A>T, p.Gln121Leu (NM_001329944.2, NM_001329946.2, NM_001329947.2 and 1 more transcripts); short protein forms Q106L, Q121L, Q133L, Q36L.
Identifiers: ClinVar variation 2001783 (VCV002001783.1), dbSNP rs2542528711, ClinGen allele CA389859923.
Genomic context (GRCh38, chr14:58,432,409, plus strand): 5'-CAGGAATTTAATATATATTTTTGTGTCTTGATTTTGCAGCAAATGACATCTTCATTTCTC[A>T]GTATACAATGGGACAGAAAGATGCTCTAAGAACAGTTTTAAAGCAAAAGTAAGTTTCATT-3'
Protein context (NP_001316872.1, residues 111-131): KQKANDIFIS[Gln121Leu]YTMGQKDALR

ClinVar aggregate classification (germline): Uncertain significance (1 of 4 stars; one submission).

Conditions:
Short-rib thoracic dysplasia 14 with polydactyly (SRTD14). Identifiers: Orphanet 397715, MedGen C4225286, MONDO:0014688, OMIM 616546.
Joubert syndrome 23 (JBTS23). Identifiers: Orphanet 475, MedGen C4084822, MONDO:0014664, OMIM 616490.

Submission:

Labcorp Genetics (formerly Invitae), Labcorp
Classification: Uncertain significance for Joubert syndrome 23; Short-rib thoracic dysplasia 14 with polydactyly. Last evaluated: 2022-07-30. Review status: criteria provided, single submitter. Criteria: Invitae Variant Classification Sherloc (09022015). Collection method: clinical testing. Allele origin: germline.
Comment: This sequence change replaces glutamine, which is neutral and polar, with leucine, which is neutral and non-polar, at codon 133 of the KIAA0586 protein (p.Gln133Leu). This variant is not present in population databases (gnomAD no frequency). This variant has not been reported in the literature in individuals affected with KIAA0586-related conditions. Algorithms developed to predict the effect of missense changes on protein structure and function are either unavailable or do not agree on the potential impact of this missense change (SIFT: "Deleterious"; PolyPhen-2: "Possibly Damaging"; Align-GVGD: "Class C0"). In summary, the available evidence is currently insufficient to determine the role of this variant in disease. Therefore, it has been classified as a Variant of Uncertain Significance.